The following is an entry in ClinVar:

NM_000138.5(FBN1):c.3129G>T (p.Lys1043Asn)

Gene: FBN1 (fibrillin 1; minus strand). Cytogenetic location: 15q21.1.
Variant type: single nucleotide variant.
Coding change: c.3129G>T on transcript NM_000138.5 (MANE Select); coding-DNA position 3129, G replaced by T.
Protein change: p.Lys1043Asn; replaces lysine 1043 with asparagine.
Molecular consequence: missense variant.
Genome position (GRCh38, 1-based): chr15:48,488,447, C>A on the plus strand (G>T on the coding strand, the complement: FBN1 is on the minus strand). VCF-style: chr15-48488447-C-A. GRCh37 (hg19) VCF-style: chr15-48780644-C-A.
Other names: short protein forms K1043N.
Identifiers: ClinVar variation 576840 (VCV000576840.8), dbSNP rs749552425, ClinGen allele CA392328142.

ClinVar aggregate classification (germline): Uncertain significance (1 of 4 stars; one submission).

Conditions:
Familial thoracic aortic aneurysm and aortic dissection (TAAD). Also called: Thoracic aortic aneurysms and dissections. Identifiers: Orphanet 91387, MedGen C4707243, MONDO:0019625.
Marfan syndrome (MFS). Also called: FBN1-Related Marfan Syndrome; Marfan syndrome type 1; Marfan's syndrome; Marfan syndrome, classic; MARFAN SYNDROME, TYPE I. Identifiers: Orphanet 284963, Orphanet 558, MedGen C0024796, MONDO:0007947, OMIM 154700.

Submission:

Labcorp Genetics (formerly Invitae), Labcorp
Classification: Uncertain significance for Marfan syndrome; Familial thoracic aortic aneurysm and aortic dissection. Last evaluated: 2018-02-19. Review status: criteria provided, single submitter. Criteria: Invitae Variant Classification Sherloc (09022015). Collection method: clinical testing. Allele origin: germline.
Comment: Other missense substitutions at this codon (p.Lys1043Arg and p.Lys1043Glu) have been reported in individuals affected with Marfan syndrome (PMID: 9101298, 27906200). In summary, the available evidence is currently insufficient to determine the role of this variant in disease. Therefore, it has been classified as a Variant of Uncertain Significance. Algorithms developed to predict the effect of missense changes on protein structure and function (SIFT, PolyPhen-2, Align-GVGD) all suggest that this variant is likely to be disruptive, but these predictions have not been confirmed by published functional studies and their clinical significance is uncertain. This variant has not been reported in the literature in individuals with FBN1-related disease. This variant is not present in population databases (ExAC no frequency). This sequence change replaces lysine with asparagine at codon 1043 of the FBN1 protein (p.Lys1043Asn). The lysine residue is highly conserved and there is a moderate physicochemical difference between lysine and asparagine.

Literature cited by the submitters: PubMed 9101298; PubMed 27906200.